The following is an entry in ClinVar:

ClinVar aggregate classification (germline): Uncertain significance (1 of 4 stars; one submission).

Conditions:
Emery-Dreifuss muscular dystrophy (EDMD). Also called: Scapuloperoneal syndrome, X-linked (formerly); Humeroperoneal neuromuscular disease, (formerly). Identifiers: Orphanet 261, MedGen C0410189, MONDO:0016830.

Submission:

Labcorp Genetics (formerly Invitae), Labcorp
Classification: Uncertain significance for Emery-Dreifuss muscular dystrophy. Last evaluated: 2023-06-30. Review status: criteria provided, single submitter. Criteria: Invitae Variant Classification Sherloc (09022015). Collection method: clinical testing. Allele origin: germline.
Comment: This sequence change falls in intron 1 of the SUN1 gene. It does not directly change the encoded amino acid sequence of the SUN1 protein. This variant is not present in population databases (gnomAD no frequency). This variant has not been reported in the literature in individuals affected with SUN1-related conditions. ClinVar contains an entry for this variant (Variation ID: 2015805). Algorithms developed to predict the effect of sequence changes on RNA splicing suggest that this variant may create or strengthen a splice site. In summary, the available evidence is currently insufficient to determine the role of this variant in disease. Therefore, it has been classified as a Variant of Uncertain Significance.

NM_001130965.3(SUN1):c.78-19A>G

Gene: SUN1 (Sad1 and UNC84 domain containing 1; plus strand). Cytogenetic location: 7p22.3.
Variant type: single nucleotide variant.
Coding change: c.78-19A>G on transcript NM_001130965.3 (MANE Select); 19 bases into the intron before coding-DNA position 78, A replaced by G.
Molecular consequence: intron variant.
Genome position (GRCh38, 1-based): chr7:838,779, A>G. VCF-style: chr7-838779-A-G. GRCh37 (hg19) VCF-style: chr7-878416-A-G.
Other names: c.78-19A>G (NM_001171946.2, NM_001367634.1, NM_001367669.1 and 34 more transcripts); c.297-19A>G (NM_001367651.1); c.-380-19A>G (NM_001367635.1); c.78-3167A>G (NM_001367695.1); c.-73-19A>G (NM_001367666.1, NM_001367655.1, NM_001367691.1 and 24 more transcripts); c.-684-19A>G (NM_001367658.1); c.-301-3167A>G (NM_001367639.1); c.141-19A>G (NM_001171945.2).
Identifiers: ClinVar variation 2015805 (VCV002015805.4), dbSNP rs2486012090, ClinGen allele CA2580076688.
Genomic context (GRCh38, chr7:838,779, plus strand): 5'-TCAGTTTATGGTTTGTTCATTTTGTTTCAGAATGGGGGCTATAAGCACTGCTTACCTCTG[A>G]TGAGCTTTTTCCTTCTAGTTCCAGCTATTCTTCAGATGCTCTGGATTTTGAGACGGAGCA-3'